The following is an entry in ClinVar:

ClinVar aggregate classification (germline): Pathogenic. Review status: criteria provided, single submitter (1 of 4 stars). 2 submissions from 1 submitter: Pathogenic (1). 1 of the submissions does not count toward it. Last evaluated 2022-09-06.

Conditions:
Rafiq syndrome (RAFQS). Identifiers: Orphanet 88616, MedGen C3280127, MONDO:0013624, OMIM 614202.

Submissions (2):

Labcorp Genetics (formerly Invitae), Labcorp
Classification: Pathogenic for Rafiq syndrome. Last evaluated: 2022-09-06. Review status: criteria provided, single submitter. Criteria: Invitae Variant Classification Sherloc (09022015). Collection method: clinical testing. Allele origin: germline.
Comment: A gross deletion of the genomic region encompassing the full coding sequence of the MAN1B1 gene has been identified. Loss-of-function variants in MAN1B1 are known to be pathogenic (PMID: 24566669). The boundaries of this event are unknown as they extend beyond the assayed region for this gene and therefore may encompass additional genes. This variant has not been reported in the literature in individuals affected with MAN1B1-related conditions. For these reasons, this variant has been classified as Pathogenic.

Labcorp Genetics (formerly Invitae), Labcorp
Classification: Pathogenic. Last evaluated: 2022-09-06. Review status: flagged submission. Criteria: Invitae Variant Classification Sherloc (09022015). Collection method: clinical testing. Allele origin: germline. Not counted in ClinVar's aggregate classification.
Comment: A gross deletion of the genomic region encompassing the full coding sequence of the CACNA1B gene has been identified. Loss-of-function variants in CACNA1B are known to be pathogenic (PMID: 30982612). The boundaries of this event are unknown as they extend beyond the assayed region for this gene and therefore may encompass additional genes. This variant has not been reported in the literature in individuals affected with CACNA1B-related conditions. For these reasons, this variant has been classified as Pathogenic.
ClinVar note: Reason: This record appears to be redundant with a more recent record from the same submitter.
ClinVar note: Notes: SCV003794326 appears to be redundant with SCV003794981.

Literature cited by the submitters: PubMed 24566669; PubMed 30982612.

NC_000009.11:g.(?_139089171)_(141016451_?)del

Genes: ABCA2 (ATP binding cassette subfamily A member 2; minus strand), AGPAT2 (1-acylglycerol-3-phosphate O-acyltransferase 2; minus strand), AJM1 (apical junction component 1 homolog; plus strand), ANAPC2 (anaphase promoting complex subunit 2; minus strand), ARRDC1 (arrestin domain containing 1; plus strand) and 70 more. Cytogenetic location: 9q34.3.
Variant type: Deletion.
Identifiers: ClinVar variation 2423367 (VCV002423367.5).